The following is an entry in ClinVar:

NM_139076.3(ABRAXAS1):c.947A>G (p.His316Arg)

Gene: ABRAXAS1 (abraxas 1, BRCA1 A complex subunit; minus strand). Cytogenetic location: 4q21.23.
Variant type: single nucleotide variant.
Coding change: c.947A>G on transcript NM_139076.3 (MANE Select); coding-DNA position 947, A replaced by G.
Protein change: p.His316Arg; replaces histidine 316 with arginine.
Molecular consequence: missense variant.
Genome position (GRCh38, 1-based): chr4:83,462,752, T>C on the plus strand (A>G on the coding strand, the complement: ABRAXAS1 is on the minus strand). VCF-style: chr4-83462752-T-C. GRCh37 (hg19) VCF-style: chr4-84383905-T-C.
Other names: c.620A>G, p.His207Arg (NM_001345962.2); short protein forms H207R, H316R.
Identifiers: ClinVar variation 1477429 (VCV001477429.8), dbSNP rs2110033166, ClinGen allele CA357255817.
Genomic context (GRCh38, chr4:83,462,752, plus strand): 5'-CTAGCTTCAGGAATGTCAGTGTGTTCTACCATTAAGGTCAGATTGTCTACTACATCGAGA[T>C]GGTGGTTGTAGTTACAGCTACTTTTAGAAACATGTCTATTTTTTAAAGACATAACACATG-3'
Protein context (NP_620775.2, residues 306-326): VSKSSCNYNH[His316Arg]LDVVDNLTLM

ClinVar aggregate classification (germline): Uncertain significance (1 of 4 stars; one submission).

Submission:

Labcorp Genetics (formerly Invitae), Labcorp
Classification: Uncertain significance. Last evaluated: 2025-06-09. Review status: criteria provided, single submitter. Criteria: Invitae Variant Classification Sherloc (09022015). Collection method: clinical testing. Allele origin: germline.
Comment: This sequence change replaces histidine, which is basic and polar, with arginine, which is basic and polar, at codon 316 of the ABRAXAS1 protein (p.His316Arg). This variant is not present in population databases (gnomAD no frequency). This variant has not been reported in the literature in individuals affected with ABRAXAS1-related conditions. ClinVar contains an entry for this variant (Variation ID: 1477429). Invitae Evidence Modeling of protein sequence and biophysical properties (such as structural, functional, and spatial information, amino acid conservation, physicochemical variation, residue mobility, and thermodynamic stability) indicates that this missense variant is not expected to disrupt ABRAXAS1 protein function with a negative predictive value of 80%. In summary, the available evidence is currently insufficient to determine the role of this variant in disease. Therefore, it has been classified as a Variant of Uncertain Significance.